The following is an entry in ClinVar:

NM_015213.4(DENND5A):c.2522-1G>C

Gene: DENND5A (DENN domain containing 5A; minus strand). Cytogenetic location: 11p15.4.
Variant type: single nucleotide variant.
Coding change: c.2522-1G>C on transcript NM_015213.4 (MANE Select); the canonical splice acceptor site of the intron before coding-DNA position 2522, G replaced by C.
Molecular consequence: splice acceptor variant.
Genome position (GRCh38, 1-based): chr11:9,150,765, C>G on the plus strand (G>C on the coding strand, the complement: DENND5A is on the minus strand). VCF-style: chr11-9150765-C-G. GRCh37 (hg19) VCF-style: chr11-9172312-C-G.
Other names: c.2450-1G>C (NM_001348749.2); c.2522-1G>C (NM_001243254.2); c.2234-1G>C (NM_001348750.2).
Identifiers: ClinVar variation 2029890 (VCV002029890.4), dbSNP rs2493743511, ClinGen allele CA379605979.

ClinVar aggregate classification (germline): Likely pathogenic (1 of 4 stars; one submission).

Submission:

Labcorp Genetics (formerly Invitae), Labcorp
Classification: Likely pathogenic. Last evaluated: 2022-09-10. Review status: criteria provided, single submitter. Criteria: Invitae Variant Classification Sherloc (09022015). Collection method: clinical testing. Allele origin: germline.
Comment: In summary, the currently available evidence indicates that the variant is pathogenic, but additional data are needed to prove that conclusively. Therefore, this variant has been classified as Likely Pathogenic. Algorithms developed to predict the effect of sequence changes on RNA splicing suggest that this variant may disrupt the consensus splice site. This variant has not been reported in the literature in individuals affected with DENND5A-related conditions. This variant is not present in population databases (gnomAD no frequency). This sequence change affects an acceptor splice site in intron 13 of the DENND5A gene. It is expected to disrupt RNA splicing. Variants that disrupt the donor or acceptor splice site typically lead to a loss of protein function (PMID: 16199547), and loss-of-function variants in DENND5A are known to be pathogenic (PMID: 27431290, 27866705).

Literature cited by the submitters: PubMed 16199547; PubMed 27431290; PubMed 27866705.